The following is an entry in ClinVar:

NM_022455.5(NSD1):c.2191T>G (p.Ser731Ala)

Gene: NSD1 (nuclear receptor binding SET domain protein 1; plus strand). Cytogenetic location: 5q35.3.
Variant type: single nucleotide variant.
Coding change: c.2191T>G on transcript NM_022455.5 (MANE Select); coding-DNA position 2191, T replaced by G.
Protein change: p.Ser731Ala; replaces serine 731 with alanine.
Molecular consequence: missense variant.
Genome position (GRCh38, 1-based): chr5:177,210,590, T>G. VCF-style: chr5-177210590-T-G. GRCh37 (hg19) VCF-style: chr5-176637591-T-G.
Other names: c.1318T>G, p.Ser440Ala (NM_001365684.2, NM_001409306.1, NM_001409307.1 and 3 more transcripts); c.2191T>G, p.Ser731Ala (NM_001409301.1, NM_001409302.1, NM_001409303.1); c.1771T>G, p.Ser591Ala (NM_001409304.1); c.1438T>G, p.Ser480Ala (NM_001409305.1); short protein forms S440A, S591A, S480A, S731A.
Identifiers: ClinVar variation 3677191 (VCV003677191.2).

ClinVar aggregate classification (germline): Uncertain significance (1 of 4 stars; one submission).

Submission:

Labcorp Genetics (formerly Invitae), Labcorp
Classification: Uncertain significance. Last evaluated: 2024-05-07. Review status: criteria provided, single submitter. Criteria: Invitae Variant Classification Sherloc (09022015). Collection method: clinical testing. Allele origin: germline.
Comment: This sequence change replaces serine, which is neutral and polar, with alanine, which is neutral and non-polar, at codon 731 of the NSD1 protein (p.Ser731Ala). This variant is not present in population databases (gnomAD no frequency). This variant has not been reported in the literature in individuals affected with NSD1-related conditions. Advanced modeling of protein sequence and biophysical properties (such as structural, functional, and spatial information, amino acid conservation, physicochemical variation, residue mobility, and thermodynamic stability) performed at Invitae indicates that this missense variant is not expected to disrupt NSD1 protein function with a negative predictive value of 95%. In summary, the available evidence is currently insufficient to determine the role of this variant in disease. Therefore, it has been classified as a Variant of Uncertain Significance.